The following is an entry in ClinVar:

NM_013336.4(SEC61A1):c.1360A>G (p.Ile454Val)

Genes: RUVBL1 (RuvB like AAA ATPase 1; minus strand), SEC61A1 (SEC61 translocon subunit alpha 1; plus strand). Cytogenetic location: 3q21.3.
Variant type: single nucleotide variant.
Coding change: c.1360A>G on transcript NM_013336.4 (MANE Select); coding-DNA position 1360, A replaced by G.
Protein change: p.Ile454Val; replaces isoleucine 454 with valine.
Molecular consequence: missense variant. On other transcripts: intron variant (1).
Genome position (GRCh38, 1-based): chr3:128,069,591, A>G. VCF-style: chr3-128069591-A-G. GRCh37 (hg19) VCF-style: chr3-127788434-A-G.
Other names: c.1378A>G, p.Ile460Val (NM_001400328.1); c.1201A>G, p.Ile401Val (NM_001400329.1); c.940-4371T>C (NM_001319086.1); short protein forms I401V, I454V, I460V.
Identifiers: ClinVar variation 3771245 (VCV003771245.13).

ClinVar aggregate classification (germline): Conflicting classifications of pathogenicity. Review status: criteria provided, conflicting classifications (1 of 4 stars). 2 submissions from 2 submitters: Uncertain significance (1); Likely benign (1). Last evaluated 2025-07-30.

gnomAD v4.1: 132 of 1,613,980 alleles (0.0082%); highest among the groups gnomAD compares: Non-Finnish European, 0.011%; no homozygotes.

Submissions (2):

Labcorp Genetics (formerly Invitae), Labcorp
Classification: Uncertain significance. Last evaluated: 2025-07-30. Review status: criteria provided, single submitter. Criteria: Invitae Variant Classification Sherloc (09022015). Collection method: clinical testing. Allele origin: germline.
Comment: This sequence change replaces isoleucine, which is neutral and non-polar, with valine, which is neutral and non-polar, at codon 454 of the SEC61A1 protein (p.Ile454Val). This variant is present in population databases (rs757208336, gnomAD 0.005%). This variant has not been reported in the literature in individuals affected with SEC61A1-related conditions. ClinVar contains an entry for this variant (Variation ID: 3771245). Invitae Evidence Modeling of protein sequence and biophysical properties (such as structural, functional, and spatial information, amino acid conservation, physicochemical variation, residue mobility, and thermodynamic stability) indicates that this missense variant is not expected to disrupt SEC61A1 protein function with a negative predictive value of 80%. In summary, the available evidence is currently insufficient to determine the role of this variant in disease. Therefore, it has been classified as a Variant of Uncertain Significance.

CeGaT Center for Human Genetics Tuebingen
Classification: Likely benign. Last evaluated: 2025-02-01. Review status: criteria provided, single submitter. Criteria: CeGaT Center For Human Genetics Tuebingen Variant Classification Criteria Version 2. Collection method: clinical testing. Allele origin: germline. Affected: yes. Observed: 1 variant allele.
Comment: SEC61A1: PP2, BS2